The following is an entry in ClinVar:

ClinVar aggregate classification (germline): Uncertain significance. Review status: criteria provided, multiple submitters, no conflicts (2 of 4 stars). 2 submissions from 2 submitters: Uncertain significance (2). Last evaluated 2025-05-03.

Conditions:
Cardiovascular phenotype. Identifiers: MedGen CN230736.
Sitosterolemia 1. Identifiers: MedGen C2749759, MONDO:0020747, OMIM 210250.

Allele frequency attached by ClinVar (database versions not stated): gnomAD exomes below 0.00001; gnomAD 0.00001; TOPMed 0.00001.
gnomAD v4.1: 5 of 1,613,996 alleles (0.00031%); highest among the groups gnomAD compares: African/African-American, 0.0013%; no homozygotes.

Submissions (2):

Ambry Genetics
Classification: Uncertain significance for Cardiovascular phenotype. Last evaluated: 2025-05-03. Review status: criteria provided, single submitter. Criteria: Ambry Variant Classification Scheme 2023. Collection method: clinical testing. Allele origin: germline.
Comment: The p.L434P variant (also known as c.1301T>C), located in coding exon 9 of the ABCG8 gene, results from a T to C substitution at nucleotide position 1301. The leucine at codon 434 is replaced by proline, an amino acid with similar properties. This amino acid position is conserved. In addition, this alteration is predicted to be deleterious by in silico analysis. Based on the available evidence, the clinical significance of this variant remains unclear.

Revvity Omics, Revvity
Classification: Uncertain significance for Sitosterolemia 1. Last evaluated: 2022-06-09. Review status: criteria provided, single submitter. Criteria: ACMG Guidelines, 2015. Collection method: clinical testing. Allele origin: germline.

NM_022437.3(ABCG8):c.1301T>C (p.Leu434Pro)

Gene: ABCG8 (ATP binding cassette subfamily G member 8; plus strand). Cytogenetic location: 2p21.
Variant type: single nucleotide variant.
Coding change: c.1301T>C on transcript NM_022437.3 (MANE Select); coding-DNA position 1301, T replaced by C.
Protein change: p.Leu434Pro; replaces leucine 434 with proline.
Molecular consequence: missense variant.
Genome position (GRCh38, 1-based): chr2:43,873,876, T>C. VCF-style: chr2-43873876-T-C. GRCh37 (hg19) VCF-style: chr2-44101015-T-C.
Other names: c.1298T>C, p.Leu433Pro (NM_001357321.2); c.1301T>C (NM_022437.2); short protein forms L433P, L434P.
Identifiers: ClinVar variation 2438784 (VCV002438784.4), dbSNP rs1034215066, ClinGen allele CA46468290.